The following is an entry in ClinVar:

NM_138576.4(BCL11B):c.452C>T (p.Pro151Leu)

Gene: BCL11B (BCL11 transcription factor B; minus strand). Cytogenetic location: 14q32.2.
Variant type: single nucleotide variant.
Coding change: c.452C>T on transcript NM_138576.4 (MANE Select); coding-DNA position 452, C replaced by T.
Protein change: p.Pro151Leu; replaces proline 151 with leucine.
Molecular consequence: missense variant. On other transcripts: intron variant (2).
Genome position (GRCh38, 1-based): chr14:99,231,533, G>A on the plus strand (C>T on the coding strand, the complement: BCL11B is on the minus strand). VCF-style: chr14-99231533-G-A. GRCh37 (hg19) VCF-style: chr14-99697870-G-A.
Other names: c.449C>T, p.Pro150Leu (NM_001282237.2); c.424+25938C>T (NM_001282238.2); c.427+25938C>T (NM_022898.3); short protein forms P150L, P151L.
Identifiers: ClinVar variation 4538947 (VCV004538947.1).

ClinVar aggregate classification (germline): Uncertain significance (1 of 4 stars; one submission).

Submission:

GeneDx
Classification: Uncertain significance. Last evaluated: 2025-06-18. Review status: criteria provided, single submitter. Criteria: GeneDx Variant Classification Process June 2021. Collection method: clinical testing. Allele origin: germline. Affected: yes.
Comment: Not observed at significant frequency in large population cohorts (gnomAD); In silico analysis suggests that this missense variant does not alter protein structure/function; Has not been previously published as pathogenic or benign to our knowledge